The following is an entry in ClinVar:

ClinVar aggregate classification (germline): Pathogenic (1 of 4 stars; one submission).

Submission:

GeneDx
Classification: Pathogenic. Last evaluated: 2025-02-18. Review status: criteria provided, single submitter. Criteria: GeneDx Variant Classification Process June 2021. Collection method: clinical testing. Allele origin: germline. Affected: yes.
Comment: Nonsense variant predicted to result in protein truncation or nonsense mediated decay in a gene for which loss of function is a known mechanism of disease; Not observed at significant frequency in large population cohorts (gnomAD); This variant is associated with the following publications: (PMID: 33974722, 26077438, 32430359)

NM_001122630.2(CDKN1C):c.643C>T (p.Gln215Ter)

Gene: CDKN1C (cyclin dependent kinase inhibitor 1C; minus strand). Cytogenetic location: 11p15.4.
Variant type: single nucleotide variant.
Coding change: c.643C>T on transcript NM_001122630.2 (MANE Select); coding-DNA position 643, C replaced by T.
Protein change: p.Gln215Ter; replaces glutamine 215 with a stop codon.
Molecular consequence: nonsense. On other transcripts: intron variant (1).
Genome position (GRCh38, 1-based): chr11:2,884,814, G>A on the plus strand (C>T on the coding strand, the complement: CDKN1C is on the minus strand). VCF-style: chr11-2884814-G-A. GRCh37 (hg19) VCF-style: chr11-2906044-G-A.
Other names: c.676C>T, p.Gln226Ter (NM_000076.2, NM_001362474.2, LRG_533t1); c.643C>T, p.Gln215Ter (NM_001122631.2); c.255+388C>T (NM_001362475.2); short protein forms Q226*, Q215*.
Identifiers: ClinVar variation 132860 (VCV000132860.1), dbSNP rs483352987.